The following is an entry in ClinVar:

ClinVar aggregate classification (germline): Benign. Review status: criteria provided, multiple submitters, no conflicts (2 of 4 stars). 2 submissions from 2 submitters: Benign (2). Last evaluated 2025-02-16.

Conditions:
Leigh syndrome (NULS). Also called: Leigh's necrotizing encephalopathy; Leigh's disease; Leigh Syndrome (mtDNA deletion); Leigh Disease; Subacute necrotizing encephalopathy; Necrotizing encephalopathy infantile subacute of Leigh. Identifiers: Orphanet 506, MedGen C2931891, MONDO:0009723, OMIM 256000.

Submissions (2):

Laboratory of Genetics, Children's Clinical University Hospital Latvia
Classification: Benign. Last evaluated: 2025-02-16. Review status: criteria provided, single submitter. Criteria: ACMG Guidelines, 2015. Collection method: clinical testing. Allele origin: germline. Affected: yes.

Wong Mito Lab, Molecular and Human Genetics, Baylor College of Medicine
Classification: Benign for Leigh syndrome. Last evaluated: 2019-10-17. Review status: criteria provided, single submitter. Criteria: Modified ACMG Guidelines (Unpublished). Collection method: clinical testing. Allele origin: germline.
Comment: The NC_012920.1:m.9053G>A (YP_003024031.1:p.Ser176Asn) variant in MTATP6 gene is interpretated to be a Benign variant based on the modified ACMG guidelines (unpublished). This variant meets the following evidence codes: BA1

NC_012920.1(MT-ATP6):m.9053G>A

Gene: MT-ATP6 (mitochondrially encoded ATP synthase 6; plus strand).
Variant type: single nucleotide variant.
Genome position: chrM-9053-G-A.
Identifiers: ClinVar variation 693066 (VCV000693066.2), dbSNP rs199646902, ClinGen allele CA337098159.
Genomic context (GRCh38, chrMT:9,053, plus strand): 5'-TGGCCGTACGCCTAACCGCTAACATTACTGCAGGCCACCTACTCATGCACCTAATTGGAA[G>A]CGCCACCCTAGCAATATCAACCATTAACCTTCCCTCTACACTTATCATCTTCACAATTCT-3'